The following is an entry in ClinVar:

ClinVar aggregate classification (germline): Likely pathogenic (1 of 4 stars; one submission).

gnomAD v4.1: 5 of 1,568,124 alleles (0.00032%); highest among the groups gnomAD compares: Non-Finnish European, 0.00043%; no homozygotes.

Submission:

Labcorp Genetics (formerly Invitae), Labcorp
Classification: Likely pathogenic. Last evaluated: 2024-02-24. Review status: criteria provided, single submitter. Criteria: Invitae Variant Classification Sherloc (09022015). Collection method: clinical testing. Allele origin: germline.
Comment: This sequence change affects a donor splice site in intron 21 of the MPDZ gene. It is expected to disrupt RNA splicing. Variants that disrupt the donor or acceptor splice site typically lead to a loss of protein function (PMID: 16199547), and loss-of-function variants in MPDZ are known to be pathogenic (PMID: 23240096, 28556411). This variant is not present in population databases (gnomAD no frequency). This variant has not been reported in the literature in individuals affected with MPDZ-related conditions. Algorithms developed to predict the effect of sequence changes on RNA splicing suggest that this variant may disrupt the consensus splice site. In summary, the currently available evidence indicates that the variant is pathogenic, but additional data are needed to prove that conclusively. Therefore, this variant has been classified as Likely Pathogenic.

Literature cited by the submitters: PubMed 16199547; PubMed 23240096; PubMed 28556411.

NM_001378778.1(MPDZ):c.3055+1G>A

Gene: MPDZ (multiple PDZ domain crumbs cell polarity complex component; minus strand). Cytogenetic location: 9p23.
Variant type: single nucleotide variant.
Coding change: c.3055+1G>A on transcript NM_001378778.1 (MANE Select); the canonical splice donor site of the intron after coding-DNA position 3055, G replaced by A.
Molecular consequence: splice donor variant.
Genome position (GRCh38, 1-based): chr9:13,175,751, C>T on the plus strand (G>A on the coding strand, the complement: MPDZ is on the minus strand). VCF-style: chr9-13175751-C-T. GRCh37 (hg19) VCF-style: chr9-13175750-C-T.
Other names: c.3055+1G>A (NM_001375425.1, NM_001375420.1, NM_001375419.1 and 14 more transcripts).
Identifiers: ClinVar variation 3681041 (VCV003681041.2).